The following is an entry in ClinVar:

NM_001195553.2(DCX):c.65G>A (p.Arg22Gln)

Gene: DCX (doublecortin; minus strand). Cytogenetic location: Xq23.
Variant type: single nucleotide variant.
Coding change: c.65G>A on transcript NM_001195553.2 (MANE Select); coding-DNA position 65, G replaced by A.
Protein change: p.Arg22Gln; replaces arginine 22 with glutamine.
Molecular consequence: missense variant.
Genome position (GRCh38, 1-based): chrX:111,410,334, C>T on the plus strand (G>A on the coding strand, the complement: DCX is on the minus strand). VCF-style: chrX-111410334-C-T. GRCh37 (hg19) VCF-style: chrX-110653562-C-T.
Other names: c.308G>A, p.Arg103Gln (NM_000555.3); c.65G>A, p.Arg22Gln (NM_001369370.1, NM_001369371.1, NM_001369372.1 and 6 more transcripts); short protein forms R103Q, R22Q.
Identifiers: ClinVar variation 1804323 (VCV001804323.1), dbSNP rs866795080, ClinGen allele CA334420949.
Genomic context (GRCh38, chrX:111,410,334, plus strand): 5'-GTTCTGGTTCGGTAGAAGCTACAGTGGGCGCTGTGAGTGGGGCTAGGCAACCCATTCATC[C>T]GGGAGCCTCGCATGTTCCTGGATGTCTTATCTCTTTCGTCAAAGTGTCCAAAATCAAGTT-3'
Protein context (NP_001182482.1, residues 12-32): DKTSRNMRGS[Arg22Gln]MNGLPSPTHS

ClinVar aggregate classification (germline): Uncertain significance (1 of 4 stars; one submission).

Submission:

GeneDx
Classification: Uncertain significance. Last evaluated: 2022-06-15. Review status: criteria provided, single submitter. Criteria: GeneDx Variant Classification Process June 2021. Collection method: clinical testing. Allele origin: germline. Affected: yes.
Comment: Not observed at significant frequency in large population cohorts (gnomAD); In silico analysis supports that this missense variant does not alter protein structure/function; Has not been previously published as pathogenic or benign to our knowledge